The following is an entry in ClinVar:

NM_194323.3(OTOF):c.3570C>T (p.Leu1190=)

Gene: OTOF (otoferlin; minus strand). Cytogenetic location: 2p23.3.
Variant type: single nucleotide variant.
Coding change: c.3570C>T on transcript NM_194323.3 (MANE Plus Clinical); coding-DNA position 3570, C replaced by T.
Protein change: p.Leu1190=; no amino-acid change (leucine 1190 retained).
Molecular consequence: synonymous variant. On other transcripts: 3 prime UTR variant (3).
Genome position (GRCh38, 1-based): chr2:26,458,163, G>A on the plus strand (C>T on the coding strand, the complement: OTOF is on the minus strand). VCF-style: chr2-26458163-G-A. GRCh37 (hg19) VCF-style: chr2-26681031-G-A.
Other names: c.5871C>T, p.Leu1957= (NM_001287489.2); c.*75C>T (NM_004802.4, NM_194248.3, NM_194322.3).
Identifiers: ClinVar variation 4976045 (VCV004976045.1).

ClinVar aggregate classification (germline): Uncertain significance (1 of 4 stars; one submission).

Submission:

GeneDx
Classification: Uncertain significance. Last evaluated: 2026-02-05. Review status: criteria provided, single submitter. Criteria: GeneDx Variant Classification Process June 2021. Collection method: clinical testing. Allele origin: germline.
Comment: Not observed at significant frequency in large population cohorts (gnomAD); In silico analysis suggests that this variant does not alter splicing; Has not been previously published as pathogenic or benign to our knowledge